The following is an entry in ClinVar:

NM_015102.5(NPHP4):c.1364T>G (p.Leu455Arg)

Gene: NPHP4 (nephrocystin 4; minus strand). Cytogenetic location: 1p36.31.
Variant type: single nucleotide variant.
Coding change: c.1364T>G on transcript NM_015102.5 (MANE Select); coding-DNA position 1364, T replaced by G.
Protein change: p.Leu455Arg; replaces leucine 455 with arginine.
Molecular consequence: missense variant. On other transcripts: 5 prime UTR variant (2), non-coding transcript variant (1).
Genome position (GRCh38, 1-based): chr1:5,927,726, A>C on the plus strand (T>G on the coding strand, the complement: NPHP4 is on the minus strand). VCF-style: chr1-5927726-A-C. GRCh37 (hg19) VCF-style: chr1-5987786-A-C.
Other names: c.-3T>G (NM_001291593.2, NM_001291594.2); short protein forms L455R.
Identifiers: ClinVar variation 954435 (VCV000954435.9), dbSNP rs1646080043, ClinGen allele CA338060090.
Genomic context (GRCh38, chr1:5,927,726, plus strand): 5'-GGTTTCCTGGAAGGCCGCCGCTCCACTTTGGGGCCACTGACAGGCTCCGTGGGTGCATCC[A>C]GGTGTTCTTCTGAGCCCAGCGAGAACTGGAACCGGAGTGTACCCGACTCCACCTGCTTCA-3'
Protein context (NP_055917.1, residues 445-465): FQFSLGSEEH[Leu455Arg]DAPTEPVSGP

ClinVar aggregate classification (germline): Uncertain significance (1 of 4 stars; one submission).

Conditions:
Nephronophthisis. Also called: Juvenile Nephronophthisis. Identifiers: Orphanet 655, MedGen C0687120, MONDO:0019005, HP:0000090.

Submission:

Labcorp Genetics (formerly Invitae), Labcorp
Classification: Uncertain significance for Nephronophthisis. Last evaluated: 2022-09-12. Review status: criteria provided, single submitter. Criteria: Invitae Variant Classification Sherloc (09022015). Collection method: clinical testing. Allele origin: germline.
Comment: In summary, the available evidence is currently insufficient to determine the role of this variant in disease. Therefore, it has been classified as a Variant of Uncertain Significance. Advanced modeling of protein sequence and biophysical properties (such as structural, functional, and spatial information, amino acid conservation, physicochemical variation, residue mobility, and thermodynamic stability) performed at Invitae indicates that this missense variant is not expected to disrupt NPHP4 protein function. ClinVar contains an entry for this variant (Variation ID: 954435). This variant has not been reported in the literature in individuals affected with NPHP4-related conditions. This variant is not present in population databases (gnomAD no frequency). This sequence change replaces leucine, which is neutral and non-polar, with arginine, which is basic and polar, at codon 455 of the NPHP4 protein (p.Leu455Arg).